The following is an entry in ClinVar:

ClinVar aggregate classification (germline): Uncertain significance. Review status: criteria provided, multiple submitters, no conflicts (2 of 4 stars). 2 submissions from 2 submitters: Uncertain significance (2). Last evaluated 2024-12-30.

Conditions:
Hereditary cancer-predisposing syndrome. Also called: Tumor predisposition; Neoplastic Syndromes, Hereditary; Hereditary Cancer Syndrome; Hereditary neoplastic syndrome. Identifiers: Orphanet 140162, MedGen C0027672, MeSH D009386, MONDO:0015356.

gnomAD v4.1: 2 of 1,610,664 alleles (0.00012%); highest among the groups gnomAD compares: Non-Finnish European, 0.00017%; no homozygotes.

Submissions (2):

Labcorp Genetics (formerly Invitae), Labcorp
Classification: Uncertain significance. Last evaluated: 2024-12-30. Review status: criteria provided, single submitter. Criteria: Invitae Variant Classification Sherloc (09022015). Collection method: clinical testing. Allele origin: germline.
Comment: This sequence change replaces aspartic acid, which is acidic and polar, with glycine, which is neutral and non-polar, at codon 352 of the MSH3 protein (p.Asp352Gly). This variant is not present in population databases (gnomAD no frequency). This variant has not been reported in the literature in individuals affected with MSH3-related conditions. ClinVar contains an entry for this variant (Variation ID: 1384930). An algorithm developed to predict the effect of missense changes on protein structure and function (PolyPhen-2) suggests that this variant is likely to be tolerated. In summary, the available evidence is currently insufficient to determine the role of this variant in disease. Therefore, it has been classified as a Variant of Uncertain Significance.

Ambry Genetics
Classification: Uncertain significance for Hereditary cancer-predisposing syndrome. Last evaluated: 2024-01-07. Review status: criteria provided, single submitter. Criteria: Ambry Variant Classification Scheme 2023. Collection method: clinical testing. Allele origin: germline.
Comment: The p.D352G variant (also known as c.1055A>G), located in coding exon 7 of the MSH3 gene, results from an A to G substitution at nucleotide position 1055. The aspartic acid at codon 352 is replaced by glycine, an amino acid with similar properties. This amino acid position is conserved. In addition, this alteration is predicted to be tolerated by in silico analysis. Since supporting evidence is limited at this time, the clinical significance of this alteration remains unclear.

NM_002439.5(MSH3):c.1055A>G (p.Asp352Gly)

Gene: MSH3 (mutS homolog 3; plus strand). Cytogenetic location: 5q14.1.
Variant type: single nucleotide variant.
Coding change: c.1055A>G on transcript NM_002439.5 (MANE Select); coding-DNA position 1055, A replaced by G.
Protein change: p.Asp352Gly; replaces aspartic acid 352 with glycine.
Molecular consequence: missense variant.
Genome position (GRCh38, 1-based): chr5:80,675,010, A>G. VCF-style: chr5-80675010-A-G. GRCh37 (hg19) VCF-style: chr5-79970829-A-G.
Other names: c.1055A>G (NM_002439.3); short protein forms D352G.
Identifiers: ClinVar variation 1384930 (VCV001384930.9), dbSNP rs2112815953, ClinGen allele CA360267917.